The following is an entry in ClinVar:

NM_005732.4(RAD50):c.2830-2A>C

Gene: RAD50 (RAD50 double strand break repair protein; plus strand). Cytogenetic location: 5q31.1.
Variant type: single nucleotide variant.
Coding change: c.2830-2A>C on transcript NM_005732.4 (MANE Select); the canonical splice acceptor site of the intron before coding-DNA position 2830, A replaced by C.
Molecular consequence: splice acceptor variant.
Genome position (GRCh38, 1-based): chr5:132,609,115, A>C. VCF-style: chr5-132609115-A-C. GRCh37 (hg19) VCF-style: chr5-131944807-A-C.
Identifiers: ClinVar variation 484661 (VCV000484661.5), dbSNP rs1554099356, ClinGen allele CA360959325.

ClinVar aggregate classification (germline): Likely pathogenic (1 of 4 stars; one submission).

Conditions:
Hereditary cancer-predisposing syndrome. Also called: Neoplastic Syndromes, Hereditary; Tumor predisposition; Hereditary Cancer Syndrome; Hereditary neoplastic syndrome. Identifiers: Orphanet 140162, MedGen C0027672, MeSH D009386, MONDO:0015356.

Allele frequency attached by ClinVar (database versions not stated): gnomAD exomes below 0.00001.
gnomAD v4.1: 1 of 1,610,772 alleles (0.000062%); highest among the groups gnomAD compares: Non-Finnish European, 0.000085%; no homozygotes.

Submission:

Ambry Genetics
Classification: Likely pathogenic for Hereditary cancer-predisposing syndrome. Last evaluated: 2020-03-18. Review status: criteria provided, single submitter. Criteria: Ambry Variant Classification Scheme 2023. Collection method: clinical testing. Allele origin: germline.
Comment: The c.2830-2A>C intronic variant results from an A to C substitution two nucleotides upstream from coding exon 18 in the RAD50 gene. This nucleotide position is highly conserved in available vertebrate species. Using the BDGP and ESEfinder splice site prediction tools, this alteration is predicted to abolish the native splice acceptor site; however, direct evidence is unavailable. Alterations that disrupt the canonical splice site are expected to cause aberrant splicing, resulting in an abnormal protein or a transcript that is subject to nonsense-mediated mRNA decay. As such, this alteration is classified as likely pathogenic.